The following is an entry in ClinVar:

ClinVar aggregate classification (germline): Uncertain significance (1 of 4 stars; one submission).

Conditions:
Hereditary pancreatitis (PCTT). Also called: Hereditary chronic pancreatitis; PRSS1-Related Hereditary Pancreatitis. Identifiers: Orphanet 676, MedGen C0238339, MONDO:0008185, OMIM 167800.

Submission:

Ambry Genetics
Classification: Uncertain significance for Hereditary pancreatitis. Last evaluated: 2024-03-30. Review status: criteria provided, single submitter. Criteria: Ambry Variant Classification Scheme 2023. Collection method: clinical testing. Allele origin: germline.
Comment: The p.F379L variant (also known as c.1137C>G), located in coding exon 10 of the CPA1 gene, results from a C to G substitution at nucleotide position 1137. The phenylalanine at codon 379 is replaced by leucine, an amino acid with highly similar properties. This amino acid position is conserved. In addition, the in silico prediction for this alteration is inconclusive. Based on the available evidence, the clinical significance of this alteration remains unclear.

NM_001868.4(CPA1):c.1137C>G (p.Phe379Leu)

Gene: CPA1 (carboxypeptidase A1; plus strand). Cytogenetic location: 7q32.2.
Variant type: single nucleotide variant.
Coding change: c.1137C>G on transcript NM_001868.4 (MANE Select); coding-DNA position 1137, C replaced by G.
Protein change: p.Phe379Leu; replaces phenylalanine 379 with leucine.
Molecular consequence: missense variant.
Genome position (GRCh38, 1-based): chr7:130,387,888, C>G. VCF-style: chr7-130387888-C-G. GRCh37 (hg19) VCF-style: chr7-130027729-C-G.
Other names: short protein forms F379L.
Identifiers: ClinVar variation 3269081 (VCV003269081.1).